The following is an entry in ClinVar:

NM_000038.6(APC):c.1693G>T (p.Glu565Ter)

Gene: APC (APC regulator of Wnt signaling pathway; plus strand). Cytogenetic location: 5q22.2.
Variant type: single nucleotide variant.
Coding change: c.1693G>T on transcript NM_000038.6 (MANE Select); coding-DNA position 1693, G replaced by T.
Protein change: p.Glu565Ter; replaces glutamic acid 565 with a stop codon.
Molecular consequence: nonsense.
Genome position (GRCh38, 1-based): chr5:112,828,922, G>T. VCF-style: chr5-112828922-G-T. GRCh37 (hg19) VCF-style: chr5-112164619-G-T.
Other names: c.1693G>T, p.Glu565Ter (NM_001127510.3, NM_001354895.2); c.1639G>T, p.Glu547Ter (NM_001127511.3); c.1747G>T, p.Glu583Ter (NM_001354896.2); c.1723G>T, p.Glu575Ter (NM_001354897.2); c.1618G>T, p.Glu540Ter (NM_001354898.2); c.1609G>T, p.Glu537Ter (NM_001354899.2); c.1570G>T, p.Glu524Ter (NM_001354900.2); c.1516G>T, p.Glu506Ter (NM_001354901.2); and 5 more; short protein forms E474*, E537*, E282*, E405*, E506*, E540*, E565*, E583*.
Identifiers: ClinVar variation 969677 (VCV000969677.10), dbSNP rs890665991, ClinGen allele CA16025007.
Genomic context (GRCh38, chr5:112,828,922, plus strand): 5'-GCGAGTGTTTTGAGGAATTTGTCTTGGCGAGCAGATGTAAATAGTAAAAAGACGTTGCGA[G>T]AAGTTGGAAGTGTGAAAGCATTGATGGAATGTGCTTTAGAAGTTAAAAAGGTACCTTTGA-3'

ClinVar aggregate classification (germline): Pathogenic. Review status: criteria provided, multiple submitters, no conflicts (2 of 4 stars). 2 submissions from 2 submitters: Pathogenic (2). Last evaluated 2023-05-02.

Conditions:
Familial adenomatous polyposis 1 (FAP1). Also called: FAMILIAL ADENOMATOUS POLYPOSIS 1, ATTENUATED; POLYPOSIS, ADENOMATOUS INTESTINAL. Identifiers: MedGen C2713442, MONDO:0021056, OMIM 175100. Disease mechanism: loss of function.

Submissions (2):

Myriad Genetics, Inc.
Classification: Pathogenic for Familial adenomatous polyposis 1. Last evaluated: 2023-05-02. Review status: criteria provided, single submitter. Criteria: Myriad Autosomal Dominant, Autosomal Recessive and X-Linked Classification Criteria (2023). Collection method: clinical testing. Allele origin: unknown.
Comment: This variant is considered pathogenic. This variant creates a termination codon and is predicted to result in premature protein truncation.

Labcorp Genetics (formerly Invitae), Labcorp
Classification: Pathogenic for Familial adenomatous polyposis 1. Last evaluated: 2022-02-03. Review status: criteria provided, single submitter. Criteria: Invitae Variant Classification Sherloc (09022015). Collection method: clinical testing. Allele origin: germline.
Comment: This variant is not present in population databases (gnomAD no frequency). This variant has not been reported in the literature in individuals affected with APC-related conditions. ClinVar contains an entry for this variant (Variation ID: 969677). For these reasons, this variant has been classified as Pathogenic. This sequence change creates a premature translational stop signal (p.Glu565*) in the APC gene. It is expected to result in an absent or disrupted protein product. Loss-of-function variants in APC are known to be pathogenic (PMID: 17963004, 20685668).

Literature cited by the submitters: PubMed 17963004 (cited by Labcorp Genetics (formerly Invitae), Labcorp); PubMed 20685668 (cited by Labcorp Genetics (formerly Invitae), Labcorp).